The following is an entry in ClinVar:

ClinVar aggregate classification (germline): Uncertain significance (1 of 4 stars; one submission).

Allele frequency attached by ClinVar (database versions not stated): ExAC 0.00001; gnomAD 0.00001; gnomAD exomes 0.00001; TOPMed 0.00001.

Submission:

Labcorp Genetics (formerly Invitae), Labcorp
Classification: Uncertain significance. Last evaluated: 2021-12-02. Review status: criteria provided, single submitter. Criteria: Invitae Variant Classification Sherloc (09022015). Collection method: clinical testing. Allele origin: germline.
Comment: Algorithms developed to predict the effect of missense changes on protein structure and function output the following: SIFT: "Tolerated"; PolyPhen-2: "Benign"; Align-GVGD: "Class C0". The alanine amino acid residue is found in multiple mammalian species, which suggests that this missense change does not adversely affect protein function. In summary, the available evidence is currently insufficient to determine the role of this variant in disease. Therefore, it has been classified as a Variant of Uncertain Significance. This variant has not been reported in the literature in individuals affected with AIMP2-related conditions. This variant is present in population databases (rs747245459, gnomAD 0.003%). This sequence change replaces glycine, which is neutral and non-polar, with alanine, which is neutral and non-polar, at codon 40 of the AIMP2 protein (p.Gly40Ala).

NM_006303.4(AIMP2):c.119G>C (p.Gly40Ala)

Genes: AIMP2 (aminoacyl tRNA synthetase complex interacting multifunctional protein 2; plus strand), LOC129997917 (ATAC-STARR-seq lymphoblastoid silent region 17931; plus strand). Cytogenetic location: 7p22.1.
Variant type: single nucleotide variant.
Coding change: c.119G>C on transcript NM_006303.4 (MANE Select); coding-DNA position 119, G replaced by C.
Protein change: p.Gly40Ala; replaces glycine 40 with alanine.
Molecular consequence: missense variant. On other transcripts: 5 prime UTR variant (1), intron variant (3).
Genome position (GRCh38, 1-based): chr7:6,009,482, G>C. VCF-style: chr7-6009482-G-C. GRCh37 (hg19) VCF-style: chr7-6049113-G-C.
Other names: c.119G>C, p.Gly40Ala (NM_001326607.2); c.-202G>C (NM_001326609.2); c.-238+104G>C (NM_001326611.3); c.-251+104G>C (NM_001326610.2); c.15+104G>C (NM_001326606.2); short protein forms G40A.
Identifiers: ClinVar variation 1448488 (VCV001448488.6), dbSNP rs747245459, ClinGen allele CA4150214.
Genomic context (GRCh38, chr7:6,009,482, plus strand): 5'-TTCCCACCTGCATGTACCGGCTCCCCAACGTGCACGGCAGGAGCTACGGCCCAGCGCCGG[G>C]CGCTGGCCACGTGCAGGTAGGAGCGCGGGGCCCCCCGCCCAGTGCGCACGCGCGGCGACC-3'
Protein context (NP_006294.2, residues 30-50): VHGRSYGPAP[Gly40Ala]AGHVQEESNL